The following is an entry in ClinVar:

ClinVar aggregate classification (germline): Uncertain significance. Review status: criteria provided, multiple submitters, no conflicts (2 of 4 stars). 5 submissions from 5 submitters: Uncertain significance (5). Last evaluated 2026-01-13.

Conditions:
EGR2-related disorder. Also called: EGR2-related condition.
Charcot-Marie-Tooth disease. Also called: Charcot-Marie-Tooth Neuropathy; Charcot-Marie-Tooth Hereditary Neuropathy. Identifiers: Orphanet 166, MedGen C0007959, MONDO:0015626.
Charcot-Marie-Tooth disease, type I (CMT1). Also called: Charcot-Marie-Tooth, Type 1; Charcot-Marie-Tooth disease type 1. Identifiers: Orphanet 65753, MedGen C0751036, MONDO:0019011.

Submissions (5):

Labcorp Genetics (formerly Invitae), Labcorp
Classification: Uncertain significance for Charcot-Marie-Tooth disease, type I. Last evaluated: 2026-01-13. Review status: criteria provided, single submitter. Criteria: Invitae Variant Classification Sherloc (09022015). Collection method: clinical testing. Allele origin: germline.
Comment: This variant, c.909_911dup, results in the insertion of 1 amino acid(s) of the EGR2 protein (p.Ala309dup), but otherwise preserves the integrity of the reading frame. This variant is present in population databases (rs746688326, gnomAD 0.01%). This variant has been observed in individual(s) with clinical features of Charcot-Marie-Tooth disease (PMID: 32376792). ClinVar contains an entry for this variant (Variation ID: 419028). Experimental studies and prediction algorithms are not available or were not evaluated, and the functional significance of this variant is currently unknown. In summary, the available evidence is currently insufficient to determine the role of this variant in disease. Therefore, it has been classified as a Variant of Uncertain Significance.

PreventionGenetics, part of Exact Sciences
Classification: Uncertain significance for EGR2-related condition. Last evaluated: 2025-07-16. Review status: criteria provided, single submitter. Criteria: ACMG Guidelines, 2015. Collection method: clinical testing. Allele origin: germline.
Comment: The EGR2 c.909_911dupAGC variant is predicted to result in an in-frame duplication (p.Ala309dup). To our knowledge, this variant has not been reported in the literature, although a similar duplication (c.925_927dupGCC) with the same protein effect (p.Ala309dup) has been reported in an individual with Charcot-Marie Tooth Disease (Supplementary table 2, Volodarsky et al. 2020. PubMed ID: 32376792). This variant is reported in 0.013% of alleles in individuals of South Asian descent in gnomAD. At this time, the clinical significance of this variant is uncertain due to the absence of conclusive functional and genetic evidence.

Athena Diagnostics
Classification: Uncertain significance. Last evaluated: 2024-05-03. Review status: criteria provided, single submitter. Criteria: Athena Diagnostics Criteria. Collection method: clinical testing. Allele origin: unknown.
Comment: Available data are insufficient to determine the clinical significance of the variant at this time. The frequency of this variant in the general population is higher than would generally be expected for pathogenic variants in this gene. Computational tools yielded predictions that this variant is unlikely to have an effect on normal RNA splicing.

GeneDx
Classification: Uncertain significance. Last evaluated: 2023-03-27. Review status: criteria provided, single submitter. Criteria: GeneDx Variant Classification Process June 2021. Collection method: clinical testing. Allele origin: germline. Affected: yes.
Comment: Observed in an individual with Charcot-Marie-Tooth disease in published literature; however, no further clinical information was provided (Volodarsky et al., 2021); In silico analysis supports that this variant does not alter protein structure/function; This variant is associated with the following publications: (PMID: 32376792)

Molecular Genetics Laboratory, London Health Sciences Centre
Classification: Uncertain significance for Charcot-Marie-Tooth disease. Review status: criteria provided, single submitter. Criteria: ACMG Guidelines, 2015. Collection method: clinical testing. Allele origin: germline. Affected: yes.

Literature cited by the submitters: PubMed 32376792 (cited by Labcorp Genetics (formerly Invitae), Labcorp and Athena Diagnostics).

NM_000399.5(EGR2):c.897AGC[6] (p.Ala309dup)

Gene: EGR2 (early growth response 2; minus strand). Cytogenetic location: 10q21.3.
Variant type: Microsatellite.
Coding change: c.897AGC[6] on transcript NM_000399.5 (MANE Select); six copies in a row of the 3-base unit AGC starting at c.897; the reference has five copies in a row; one copy, 3 bases duplicated; also written c.909_911dup.
Protein change: p.Ala309dup; duplicates alanine 309.
Molecular consequence: inframe insertion.
Genome position (GRCh38, 1-based): chr10:62,813,727-62,813,729, GCT duplicated on the plus strand (AGC on the coding strand, the reverse complement: EGR2 is on the minus strand); duplicating any 3 consecutive bases within chr10:62,813,727-62,813,742 gives the same sequence; the position shown is the placement nearest the transcript's 3' end. VCF-style (leftmost placement, unchanged base first): chr10-62813726-G-GGCT. GRCh37 (hg19) VCF-style: chr10-64573486-G-GGCT.
Other names: c.909_911dup (NM_000399.3, NM_000399.4); c.897AGC[6], p.Ala309dup (NM_001136177.3, NM_001136178.2); c.747AGC[6], p.Ala259dup (NM_001136179.3, NM_001321037.2); c.909_911dupAGC (NM_000399.4).
Identifiers: ClinVar variation 419028 (VCV000419028.17), dbSNP rs746688326, ClinGen allele CA5517204.